The following is an entry in ClinVar:

NM_017905.6(SLC9D1):c.143A>G (p.Gln48Arg)

Gene: SLC9D1 (solute carrier family 9 member D1; plus strand). Cytogenetic location: 13q34.
Variant type: single nucleotide variant.
Coding change: c.143A>G on transcript NM_017905.6 (MANE Select); coding-DNA position 143, A replaced by G.
Protein change: p.Gln48Arg; replaces glutamine 48 with arginine.
Molecular consequence: missense variant. On other transcripts: non-coding transcript variant (2).
Genome position (GRCh38, 1-based): chr13:113,495,724, A>G. VCF-style: chr13-113495724-A-G. GRCh37 (hg19) VCF-style: chr13-114150039-A-G.
Other names: NC_000013.10:g.114150039A>G; c.143A>G, p.Gln48Arg (NM_001349741.2, NM_001349742.2, NM_001349743.2 and 3 more transcripts); short protein forms Q48R.
Identifiers: ClinVar variation 2644010 (VCV002644010.25), dbSNP rs142418115, ClinGen allele CA7064265.

ClinVar aggregate classification (germline): Likely benign (1 of 4 stars; one submission).

Allele frequency attached by ClinVar (database versions not stated): 1000 Genomes Project 30x 0.00016; 1000 Genomes Project 0.00020; ESP Exome Variant Server 0.00315.
gnomAD v4.1: 3,802 of 1,613,588 alleles (0.24%); highest among the groups gnomAD compares: Middle Eastern, 1.2%; 14 homozygotes.

Submissions (3):

CeGaT Center for Human Genetics Tuebingen
Classification: Likely benign. Last evaluated: 2023-02-01. Review status: criteria provided, single submitter. Criteria: CeGaT Center For Human Genetics Tuebingen Variant Classification Criteria Version 2. Collection method: clinical testing. Allele origin: germline. Affected: yes. Observed: 2 variant alleles.
Comment: SLC9D1: BP4, BS2

Dr. Peter K. Rogan Lab, Western University
No classification provided (evidence only). Condition: Colon adenocarcinoma. Review status: no classification provided. Collection method: in vitro. Allele origin: not applicable. Functional consequence: retained intron. Not counted in ClinVar's aggregate classification.

Dr. Peter K. Rogan Lab, Western University
No classification provided (evidence only). Condition: Sarcoma. Review status: no classification provided. Collection method: in vitro. Allele origin: not applicable. Functional consequence: retained intron. Not counted in ClinVar's aggregate classification.